The following is an entry in ClinVar:

NM_017654.4(SAMD9):c.1520C>G (p.Pro507Arg)

Gene: SAMD9 (sterile alpha motif domain containing 9; minus strand). Cytogenetic location: 7q21.2.
Variant type: single nucleotide variant.
Coding change: c.1520C>G on transcript NM_017654.4 (MANE Select); coding-DNA position 1520, C replaced by G.
Protein change: p.Pro507Arg; replaces proline 507 with arginine.
Molecular consequence: missense variant.
Genome position (GRCh38, 1-based): chr7:93,104,578, G>C on the plus strand (C>G on the coding strand, the complement: SAMD9 is on the minus strand). VCF-style: chr7-93104578-G-C. GRCh37 (hg19) VCF-style: chr7-92733891-G-C.
Other names: c.1520C>G, p.Pro507Arg (NM_001193307.2); c.1520C>G (NM_017654.3); short protein forms P507R.
Identifiers: ClinVar variation 1941856 (VCV001941856.7), dbSNP rs1355690640, ClinGen allele CA368196072.

ClinVar aggregate classification (germline): Uncertain significance. Review status: criteria provided, multiple submitters, no conflicts (2 of 4 stars). 3 submissions from 3 submitters: Uncertain significance (3). Last evaluated 2025-04-19.

Conditions:
Inborn genetic diseases. Identifiers: MedGen C0950123, MeSH D030342.

Allele frequency attached by ClinVar (database versions not stated): gnomAD exomes below 0.00001; gnomAD 0.00001.
gnomAD v4.1: 5 of 1,613,854 alleles (0.00031%); highest among the groups gnomAD compares: Admixed American, 0.0033%; no homozygotes.

Submissions (3):

Ambry Genetics
Classification: Uncertain significance for Inborn genetic diseases. Last evaluated: 2025-04-19. Review status: criteria provided, single submitter. Criteria: Ambry Variant Classification Scheme 2023. Collection method: clinical testing. Allele origin: germline.
Comment: The p.P507R variant (also known as c.1520C>G), located in coding exon 1 of the SAMD9 gene, results from a C to G substitution at nucleotide position 1520. The proline at codon 507 is replaced by arginine, an amino acid with dissimilar properties. This amino acid position is conserved. In addition, this alteration is predicted to be tolerated by in silico analysis. Based on the available evidence, the clinical significance of this variant remains unclear.

Labcorp Genetics (formerly Invitae), Labcorp
Classification: Uncertain significance. Last evaluated: 2024-08-13. Review status: criteria provided, single submitter. Criteria: Invitae Variant Classification Sherloc (09022015). Collection method: clinical testing. Allele origin: germline.
Comment: This sequence change replaces proline, which is neutral and non-polar, with arginine, which is basic and polar, at codon 507 of the SAMD9 protein (p.Pro507Arg). This variant is present in population databases (no rsID available, gnomAD 0.003%). This variant has not been reported in the literature in individuals affected with SAMD9-related conditions. ClinVar contains an entry for this variant (Variation ID: 1941856). Advanced modeling of protein sequence and biophysical properties (such as structural, functional, and spatial information, amino acid conservation, physicochemical variation, residue mobility, and thermodynamic stability) has been performed at Invitae for this missense variant, however the output from this modeling did not meet the statistical confidence thresholds required to predict the impact of this variant on SAMD9 protein function. In summary, the available evidence is currently insufficient to determine the role of this variant in disease. Therefore, it has been classified as a Variant of Uncertain Significance.

GeneDx
Classification: Uncertain significance. Last evaluated: 2024-03-04. Review status: criteria provided, single submitter. Criteria: GeneDx Variant Classification Process June 2021. Collection method: clinical testing. Allele origin: germline. Affected: yes.
Comment: Not observed at significant frequency in large population cohorts (gnomAD); In silico analysis supports that this missense variant has a deleterious effect on protein structure/function; Has not been previously published as pathogenic or benign to our knowledge; This variant is associated with the following publications: (PMID: 28545555)